The following is an entry in ClinVar:

ClinVar aggregate classification (germline): Uncertain significance (1 of 4 stars; one submission).

Conditions:
Hereditary sclerosing poikiloderma with tendon and pulmonary involvement. Also called: Poikiloderma, hereditary fibrosing, with tendon contractures, myopathy, and pulmonary fibrosis. Identifiers: Orphanet 221043, MedGen C3810325, MONDO:0014310, OMIM 615704.

Submission:

Juno Genomics, Hangzhou Juno Genomics, Inc
Classification: Uncertain significance for Hereditary sclerosing poikiloderma with tendon and pulmonary involvement. Review status: criteria provided, single submitter. Criteria: ACMG Guidelines, 2015. Collection method: clinical testing. Allele origin: germline.
Comment: Absent from controls (or at extremely low frequency if recessive) in Genome Aggregation Database.

NM_198947.4(FAM111B):c.26del (p.Asn9fs)

Gene: FAM111B (FAM111 trypsin like peptidase B; plus strand). Cytogenetic location: 11q12.1.
Variant type: Deletion.
Coding change: c.26del on transcript NM_198947.4 (MANE Select); coding-DNA position 26, one base deleted (A; older notation c.26delA).
Protein change: p.Asn9fs; shifts the reading frame from asparagine 9.
Molecular consequence: frameshift variant. On other transcripts: intron variant (2).
Genome position (GRCh38, 1-based): chr11:59,109,651, A deleted; the last of 4 consecutive A bases (chr11:59,109,648-59,109,651); deleting any one gives the same sequence. VCF-style (leftmost placement, unchanged base first): chr11-59109647-GA-G. GRCh37 (hg19) VCF-style: chr11-58877120-GA-G.
Other names: c.-10+939del (NM_001142703.2); c.-10+2355del (NM_001142704.2); short protein forms N9fs.
Identifiers: ClinVar variation 5007880 (VCV005007880.2).